The following is an entry in ClinVar:

NM_024426.6(WT1):c.1114G>A (p.Asp372Asn)

Gene: WT1 (WT1 transcription factor; minus strand). Cytogenetic location: 11p13.
Variant type: single nucleotide variant.
Coding change: c.1114G>A on transcript NM_024426.6 (MANE Select); coding-DNA position 1114, G replaced by A.
Protein change: p.Asp372Asn; replaces aspartic acid 372 with asparagine.
Molecular consequence: missense variant. On other transcripts: 5 prime UTR variant (1), non-coding transcript variant (2).
Genome position (GRCh38, 1-based): chr11:32,396,407, C>T on the plus strand (G>A on the coding strand, the complement: WT1 is on the minus strand). VCF-style: chr11-32396407-C-T. GRCh37 (hg19) VCF-style: chr11-32417953-C-T.
Other names: c.1063G>A, p.Asp355Asn (NM_000378.6, NM_001407045.1, NM_001407048.1 and 1 more transcripts); c.463G>A, p.Asp155Asn (NM_001198551.2); c.412G>A, p.Asp138Asn (NM_001198552.2); c.-75G>A (NM_001367854.1); c.1108G>A, p.Asp370Asn (NM_001407044.1); c.1114G>A, p.Asp372Asn (NM_001407046.1, NM_024424.5); c.991G>A, p.Asp331Asn (NM_001407047.1); c.940G>A, p.Asp314Asn (NM_001407050.1); and 3 more; short protein forms D138N, D282N, D314N, D331N, D367N, D155N, D355N, D372N.
Identifiers: ClinVar variation 3982456 (VCV003982456.1).
Genomic context (GRCh38, chr11:32,396,407, plus strand): 5'-CACTGGTCTCAGATGCCGACCGTACAAGAGTCGGGGCTACTCCAGGCACACGTCGCACAT[C>T]CTGCAGGCAGAGAGTAAGAGGAAGGGAGGCTTTAAGCCACATGTGAACATTCACGTAGGT-3'
Protein context (NP_077744.4, residues 362-382): HTHGVFRGIQ[Asp372Asn]VRRVPGVAPT

ClinVar aggregate classification (germline): Uncertain significance (1 of 4 stars; one submission).

Conditions:
Inborn genetic diseases. Identifiers: MedGen C0950123, MeSH D030342.

Submission:

Ambry Genetics
Classification: Uncertain significance for Inborn genetic diseases. Last evaluated: 2025-04-28. Review status: criteria provided, single submitter. Criteria: Ambry Variant Classification Scheme 2023. Collection method: clinical testing. Allele origin: germline.
Comment: The p.D367N variant (also known as c.1099G>A) is located in coding exon 7 of the WT1 gene. The aspartic acid at codon 367 is replaced by asparagine, an amino acid with highly similar properties. This change occurs in the first base pair of coding exon 7. This amino acid position is conserved. In addition, this alteration is predicted to be tolerated by in silico analysis. Based on the available evidence, the clinical significance of this variant remains unclear.